The following is an entry in ClinVar:

ClinVar aggregate classification (germline): Benign (1 of 4 stars; one submission).

Submission:

Dasa
Classification: Benign. Last evaluated: 2025-11-03. Review status: criteria provided, single submitter. Criteria: DASA Assertion Criteria. Collection method: clinical testing. Allele origin: germline.
Comment: NM_001256789.3(CACNA1F):c.1118+6A>G is a splice-region variant. Population frequency is inconsistent with a disease-causing role for this variant. Computational prediction algorithms are consistent with a benign effect. Therefore, based on the currently available evidence, this variant is classified as benign.

NM_001256789.3(CACNA1F):c.1118+6A>G

Gene: CACNA1F (calcium voltage-gated channel subunit alpha1 F; minus strand). Cytogenetic location: Xp11.23.
Variant type: single nucleotide variant.
Coding change: c.1118+6A>G on transcript NM_001256789.3 (MANE Select); 6 bases into the intron after coding-DNA position 1118, A replaced by G.
Molecular consequence: intron variant.
Genome position (GRCh38, 1-based): chrX:49,228,030, T>C on the plus strand (A>G on the coding strand, the complement: CACNA1F is on the minus strand). VCF-style: chrX-49228030-T-C. GRCh37 (hg19) VCF-style: chrX-49084492-C-C.
Other names: c.1118+6A>G (NM_005183.4); c.923+6A>G (NM_001256790.3).
Identifiers: ClinVar variation 4852749 (VCV004852749.2).